The following is an entry in ClinVar:

ClinVar aggregate classification (germline): Likely benign (1 of 4 stars; one submission).

Allele frequency attached by ClinVar (database versions not stated): gnomAD exomes 0.00010; ExAC 0.00014; TOPMed 0.00016.
gnomAD v4.1: 201 of 1,610,752 alleles (0.012%); highest among the groups gnomAD compares: East Asian, 0.12%; 1 homozygote.

Submission:

CeGaT Center for Human Genetics Tuebingen
Classification: Likely benign. Last evaluated: 2023-01-01. Review status: criteria provided, single submitter. Criteria: CeGaT Center For Human Genetics Tuebingen Variant Classification Criteria Version 2. Collection method: clinical testing. Allele origin: germline. Affected: yes. Observed: 1 variant allele.
Comment: ABCA6: BP4, BP7

NM_080284.3(ABCA6):c.4428G>A (p.Ala1476=)

Gene: ABCA6 (ATP binding cassette subfamily A member 6; minus strand). Cytogenetic location: 17q24.2.
Variant type: single nucleotide variant.
Coding change: c.4428G>A on transcript NM_080284.3 (MANE Select); coding-DNA position 4428, G replaced by A.
Protein change: p.Ala1476=; no amino-acid change (alanine 1476 retained).
Molecular consequence: synonymous variant.
Genome position (GRCh38, 1-based): chr17:69,083,259, C>T on the plus strand (G>A on the coding strand, the complement: ABCA6 is on the minus strand). VCF-style: chr17-69083259-C-T. GRCh37 (hg19) VCF-style: chr17-67079400-C-T.
Identifiers: ClinVar variation 2648161 (VCV002648161.24), dbSNP rs201702880, ClinGen allele CA8733531.